The following is an entry in ClinVar:

NM_003470.3(USP7):c.2191A>G (p.Ser731Gly)

Gene: USP7 (ubiquitin specific peptidase 7; minus strand). Cytogenetic location: 16p13.2.
Variant type: single nucleotide variant.
Coding change: c.2191A>G on transcript NM_003470.3 (MANE Select); coding-DNA position 2191, A replaced by G.
Protein change: p.Ser731Gly; replaces serine 731 with glycine.
Molecular consequence: missense variant. On other transcripts: non-coding transcript variant (1).
Genome position (GRCh38, 1-based): chr16:8,901,007, T>C on the plus strand (A>G on the coding strand, the complement: USP7 is on the minus strand). VCF-style: chr16-8901007-T-C. GRCh37 (hg19) VCF-style: chr16-8994864-T-C.
Other names: c.2143A>G, p.Ser715Gly (NM_001286457.2); c.1894A>G, p.Ser632Gly (NM_001286458.2); c.2017A>G, p.Ser673Gly (NM_001321858.2); short protein forms S632G, S673G, S715G, S731G.
Identifiers: ClinVar variation 3765993 (VCV003765993.1).

ClinVar aggregate classification (germline): Uncertain significance (1 of 4 stars; one submission).

gnomAD v4.1: 1 of 1,614,100 alleles (0.000062%); no homozygotes.

Submission:

GeneDx
Classification: Uncertain significance. Last evaluated: 2024-08-29. Review status: criteria provided, single submitter. Criteria: GeneDx Variant Classification Process June 2021. Collection method: clinical testing. Allele origin: germline. Affected: yes.
Comment: Not observed at significant frequency in large population cohorts (gnomAD); In silico analysis indicates that this missense variant does not alter protein structure/function; Has not been previously published as pathogenic or benign to our knowledge